The following is an entry in ClinVar:

NM_001113491.2(SEPTIN9):c.751G>A (p.Asp251Asn)

Gene: SEPTIN9 (septin 9; plus strand). Cytogenetic location: 17q25.3.
Variant type: single nucleotide variant.
Coding change: c.751G>A on transcript NM_001113491.2 (MANE Select); coding-DNA position 751, G replaced by A.
Protein change: p.Asp251Asn; replaces aspartic acid 251 with asparagine.
Molecular consequence: missense variant. On other transcripts: 5 prime UTR variant (4).
Genome position (GRCh38, 1-based): chr17:77,482,173, G>A. VCF-style: chr17-77482173-G-A. GRCh37 (hg19) VCF-style: chr17-75478255-G-A.
Other names: c.259G>A, p.Asp87Asn (NM_001113492.2, NM_001113494.1); c.730G>A, p.Asp244Asn (NM_001113493.2); c.-3G>A (NM_001113495.2, NM_001113496.2, NM_001293697.2 and 1 more transcripts); c.694G>A, p.Asp232Asn (NM_001293695.2); c.79G>A, p.Asp27Asn (NM_001293696.2); c.697G>A, p.Asp233Asn (NM_006640.5); short protein forms D232N, D233N, D244N, D251N, D27N, D87N.
Identifiers: ClinVar variation 2445474 (VCV002445474.4), dbSNP rs536822441, ClinGen allele CA8793519.
Genomic context (GRCh38, chr17:77,482,173, plus strand): 5'-CGCTCTAACTCCTCTGCTGTTCCTTCCCCAGCCACTGAGGCGGCTCCCAGCTGCGTTGGC[G>A]ACATGGCCGACACCCCCAGAGATGCCGGGCTCAAGCAGGCGCCTGCATCACGGAACGAGA-3'
Protein context (NP_001106963.1, residues 241-261): ATEAAPSCVG[Asp251Asn]MADTPRDAGL

ClinVar aggregate classification (germline): Uncertain significance (1 of 4 stars; one submission).

Allele frequency attached by ClinVar (database versions not stated): gnomAD 0.00001; gnomAD exomes 0.00001; TOPMed 0.00001; ExAC 0.00002; 1000 Genomes Project 30x 0.00016; 1000 Genomes Project 0.00020.
gnomAD v4.1: 16 of 1,598,788 alleles (0.001%); highest among the groups gnomAD compares: Admixed American, 0.0017%; no homozygotes.

Submission:

Labcorp Genetics (formerly Invitae), Labcorp
Classification: Uncertain significance. Last evaluated: 2025-02-26. Review status: criteria provided, single submitter. Criteria: Invitae Variant Classification Sherloc (09022015). Collection method: clinical testing. Allele origin: germline.
Comment: This sequence change replaces aspartic acid, which is acidic and polar, with asparagine, which is neutral and polar, at codon 233 of the SEPT9 protein (p.Asp233Asn). This variant is present in population databases (rs536822441, gnomAD 0.003%). This variant has not been reported in the literature in individuals affected with SEPT9-related conditions. ClinVar contains an entry for this variant (Variation ID: 2445474). Invitae Evidence Modeling of protein sequence and biophysical properties (such as structural, functional, and spatial information, amino acid conservation, physicochemical variation, residue mobility, and thermodynamic stability) indicates that this missense variant is not expected to disrupt SEPT9 protein function with a negative predictive value of 80%. In summary, the available evidence is currently insufficient to determine the role of this variant in disease. Therefore, it has been classified as a Variant of Uncertain Significance.